The following is an entry in ClinVar:

ClinVar aggregate classification (germline): Likely benign (1 of 4 stars; one submission).

Conditions:
Malignant hyperthermia, susceptibility to, 5 (MHS5). Also called: CACNA1S-Related Malignant Hyperthermia Susceptibility. Identifiers: Orphanet 423, MedGen C1866077, MONDO:0011163, OMIM 601887.

gnomAD v4.1: 1 of 1,612,672 alleles (0.000062%); highest among the groups gnomAD compares: Non-Finnish European, 0.000085%; no homozygotes.

Submission:

All of Us Research Program, National Institutes of Health
Classification: Likely benign for Malignant hyperthermia, susceptibility to, 5. Last evaluated: 2023-04-28. Review status: criteria provided, single submitter. Criteria: ACMG Guidelines, 2015. Collection method: clinical testing. Allele origin: germline. Inheritance: Autosomal dominant inheritance. Observed: 1 variant allele, 1 heterozygote.
Comment: This study involves interpretation of variants in research participants for the purpose of population health screening. Participant phenotype was not available at the time of variant classification. Additional details can be found in publication PMID: 35346344, PMCID: PMC8962531

NM_000069.3(CACNA1S):c.2907-13C>T

Gene: CACNA1S (calcium voltage-gated channel subunit alpha1 S; minus strand). Cytogenetic location: 1q32.1.
Variant type: single nucleotide variant.
Coding change: c.2907-13C>T on transcript NM_000069.3 (MANE Select); 13 bases into the intron before coding-DNA position 2907, C replaced by T.
Molecular consequence: intron variant.
Genome position (GRCh38, 1-based): chr1:201,062,103, G>A on the plus strand (C>T on the coding strand, the complement: CACNA1S is on the minus strand). VCF-style: chr1-201062103-G-A. GRCh37 (hg19) VCF-style: chr1-201031231-G-A.
Identifiers: ClinVar variation 3070549 (VCV003070549.1), dbSNP rs2464501923, ClinGen allele CA2574108676.